The following is an entry in ClinVar:

NM_003014.4(SFRP4):c.558T>C (p.Thr186=)

Gene: SFRP4 (secreted frizzled related protein 4; minus strand). Cytogenetic location: 7p14.1.
Variant type: single nucleotide variant.
Coding change: c.558T>C on transcript NM_003014.4 (MANE Select); coding-DNA position 558, T replaced by C.
Protein change: p.Thr186=; no amino-acid change (threonine 186 retained).
Molecular consequence: synonymous variant.
Genome position (GRCh38, 1-based): chr7:37,914,247, A>G on the plus strand (T>C on the coding strand, the complement: SFRP4 is on the minus strand). VCF-style: chr7-37914247-A-G. GRCh37 (hg19) VCF-style: chr7-37953849-A-G.
Identifiers: ClinVar variation 4535367 (VCV004535367.6).
Genomic context (GRCh38, chr7:37,914,247, plus strand): 5'-GTAAATGGCTTTAACAGACGACTTACCATAGCTGTAGTTTTTGCTGAGATACGTTGCCAA[A>G]GTTGGCTTCACCTTTTTACACTTGCACCGATCTAAAAAAGGCAGAAGAGGCAGAAAGTTG-3'
Protein context (NP_003005.2, residues 176-196): DRCKCKKVKP[Thr186=]LATYLSKNYS

ClinVar aggregate classification (germline): Likely benign (1 of 4 stars; one submission).

Submission:

CeGaT Center for Human Genetics Tuebingen
Classification: Likely benign. Last evaluated: 2025-11-01. Review status: criteria provided, single submitter. Criteria: CeGaT Center For Human Genetics Tuebingen Variant Classification Criteria Version 2. Collection method: clinical testing. Allele origin: germline. Affected: yes. Observed: 1 variant allele.
Comment: SFRP4: PM2:Supporting, BP4, BP7